The following is an entry in ClinVar:

NM_138420.4(AHNAK2):c.3069G>A (p.Val1023=)

Gene: AHNAK2 (AHNAK nucleoprotein 2; minus strand). Cytogenetic location: 14q32.33.
Variant type: single nucleotide variant.
Coding change: c.3069G>A on transcript NM_138420.4 (MANE Select); coding-DNA position 3069, G replaced by A.
Protein change: p.Val1023=; no amino-acid change (valine 1023 retained).
Molecular consequence: synonymous variant.
Genome position (GRCh38, 1-based): chr14:104,952,382, C>T on the plus strand (G>A on the coding strand, the complement: AHNAK2 is on the minus strand). VCF-style: chr14-104952382-C-T. GRCh37 (hg19) VCF-style: chr14-105418719-C-T.
Other names: c.2769G>A, p.Val923= (NM_001350929.2).
Identifiers: ClinVar variation 2644866 (VCV002644866.24), dbSNP rs147812632, ClinGen allele CA7383237.

ClinVar aggregate classification (germline): Likely benign (1 of 4 stars; one submission).

Allele frequency attached by ClinVar (database versions not stated): 1000 Genomes Project 30x 0.00203; 1000 Genomes Project 0.00220; TOPMed 0.00450; gnomAD 0.00464; ExAC 0.00514; ESP Exome Variant Server 0.00537.
gnomAD v4.1: 11,064 of 1,612,840 alleles (0.69%); highest among the groups gnomAD compares: Non-Finnish European, 0.85%; 68 homozygotes.

Submission:

CeGaT Center for Human Genetics Tuebingen
Classification: Likely benign. Last evaluated: 2023-07-01. Review status: criteria provided, single submitter. Criteria: CeGaT Center For Human Genetics Tuebingen Variant Classification Criteria Version 2. Collection method: clinical testing. Allele origin: germline. Affected: yes. Observed: 3 variant alleles.
Comment: AHNAK2: BP4, BP7, BS2